The following is an entry in ClinVar:

NM_007055.4(POLR3A):c.3755A>G (p.Tyr1252Cys)

Gene: POLR3A (RNA polymerase III subunit A; minus strand). Cytogenetic location: 10q22.3.
Variant type: single nucleotide variant.
Coding change: c.3755A>G on transcript NM_007055.4 (MANE Select); coding-DNA position 3755, A replaced by G.
Protein change: p.Tyr1252Cys; replaces tyrosine 1252 with cysteine.
Molecular consequence: missense variant.
Genome position (GRCh38, 1-based): chr10:77,982,158, T>C on the plus strand (A>G on the coding strand, the complement: POLR3A is on the minus strand). VCF-style: chr10-77982158-T-C. GRCh37 (hg19) VCF-style: chr10-79741916-T-C.
Other names: c.3755A>G (NM_007055.3); short protein forms Y1252C.
Identifiers: ClinVar variation 1486391 (VCV001486391.5), dbSNP rs148664903, ClinGen allele CA5570736.
Genomic context (GRCh38, chr10:77,982,158, plus strand): 5'-AGATGGCACAAGGAAGACAGCCTAACCCTAAGGCGACCCCGTGGGCTGAGTGGTACCTCA[T>C]AGGTGTTATTGGAGGTGGTTCGGGTGCCCTTCACACCGTGTGTGGCCATGACTGCCCGCA-3'
Protein context (NP_008986.2, residues 1242-1262): KGTRTTSNNT[Tyr1252Cys]EVEKTLGIEA

ClinVar aggregate classification (germline): Uncertain significance. Review status: criteria provided, multiple submitters, no conflicts (2 of 4 stars). 2 submissions from 2 submitters: Uncertain significance (2). Last evaluated 2025-01-08.

Conditions:
Inborn genetic diseases. Identifiers: MedGen C0950123, MeSH D030342.

Allele frequency attached by ClinVar (database versions not stated): TOPMed 0.00003; gnomAD exomes 0.00003; ExAC 0.00005; gnomAD 0.00002; ESP Exome Variant Server 0.00008.
gnomAD v4.1: 14 of 1,607,686 alleles (0.00087%); highest among the groups gnomAD compares: Middle Eastern, 0.017%; no homozygotes.

Submissions (2):

Ambry Genetics
Classification: Uncertain significance for Inborn genetic diseases. Last evaluated: 2025-01-08. Review status: criteria provided, single submitter. Criteria: Ambry Variant Classification Scheme 2023. Collection method: clinical testing. Allele origin: germline.

Labcorp Genetics (formerly Invitae), Labcorp
Classification: Uncertain significance. Last evaluated: 2022-11-15. Review status: criteria provided, single submitter. Criteria: Invitae Variant Classification Sherloc (09022015). Collection method: clinical testing. Allele origin: germline.
Comment: Algorithms developed to predict the effect of sequence changes on RNA splicing suggest that this variant may create or strengthen a splice site. Advanced modeling of protein sequence and biophysical properties (such as structural, functional, and spatial information, amino acid conservation, physicochemical variation, residue mobility, and thermodynamic stability) performed at Invitae indicates that this missense variant is not expected to disrupt POLR3A protein function. ClinVar contains an entry for this variant (Variation ID: 1486391). This variant has not been reported in the literature in individuals affected with POLR3A-related conditions. This variant is present in population databases (rs148664903, gnomAD 0.02%). This sequence change replaces tyrosine, which is neutral and polar, with cysteine, which is neutral and slightly polar, at codon 1252 of the POLR3A protein (p.Tyr1252Cys). In summary, the available evidence is currently insufficient to determine the role of this variant in disease. Therefore, it has been classified as a Variant of Uncertain Significance.